The following is an entry in ClinVar:

NM_021800.3(DNAJC12):c.220C>T (p.Arg74Cys)

Gene: DNAJC12 (DnaJ heat shock protein family (Hsp40) member C12; minus strand). Cytogenetic location: 10q21.3.
Variant type: single nucleotide variant.
Coding change: c.220C>T on transcript NM_021800.3 (MANE Select); coding-DNA position 220, C replaced by T.
Protein change: p.Arg74Cys; replaces arginine 74 with cysteine.
Molecular consequence: missense variant.
Genome position (GRCh38, 1-based): chr10:67,811,601, G>A on the plus strand (C>T on the coding strand, the complement: DNAJC12 is on the minus strand). VCF-style: chr10-67811601-G-A. GRCh37 (hg19) VCF-style: chr10-69571359-G-A.
Other names: c.220C>T, p.Arg74Cys (NM_201262.2); short protein forms R74C.
Identifiers: ClinVar variation 1493834 (VCV001493834.6), dbSNP rs182961172, ClinGen allele CA5520876.
Genomic context (GRCh38, chr10:67,811,601, plus strand): 5'-TCAAAGCTTCCCACTGCTGGAATGGCATCGACATCTGGCTCCTTCGCCAGTGGTCATAGC[G>A]GGCTCGACTCTCTTCATTGGTCAGAATCTCCTTTGCCTTCTGCAGTTTCTGAAAAGTCTC-3'
Protein context (NP_068572.1, residues 64-84): EILTNEESRA[Arg74Cys]YDHWRRSQMS

ClinVar aggregate classification (germline): Uncertain significance (1 of 4 stars; one submission).

Allele frequency attached by ClinVar (database versions not stated): ExAC 0.00002; gnomAD 0.00003 and 0.00005; gnomAD exomes 0.00004 and 0.00005; 1000 Genomes Project 0.00060; 1000 Genomes Project 30x 0.00094.
gnomAD v4.1: 69 of 1,614,150 alleles (0.0043%); highest among the groups gnomAD compares: Admixed American, 0.04%; no homozygotes.

Submission:

Labcorp Genetics (formerly Invitae), Labcorp
Classification: Uncertain significance. Last evaluated: 2023-07-17. Review status: criteria provided, single submitter. Criteria: Invitae Variant Classification Sherloc (09022015). Collection method: clinical testing. Allele origin: germline.
Comment: In summary, the available evidence is currently insufficient to determine the role of this variant in disease. Therefore, it has been classified as a Variant of Uncertain Significance. An algorithm developed to predict the effect of missense changes on protein structure and function (PolyPhen-2) suggests that this variant¬†is likely to be tolerated. ClinVar contains an entry for this variant (Variation ID: 1493834). This variant has not been reported in the literature in individuals affected with DNAJC12-related conditions. This variant is present in population databases (rs182961172, gnomAD 0.02%). This sequence change replaces arginine, which is basic and polar, with cysteine, which is neutral and slightly polar, at codon 74 of the DNAJC12 protein (p.Arg74Cys).